The following is an entry in ClinVar:

ClinVar aggregate classification (germline): Benign/Likely benign. Review status: criteria provided, multiple submitters, no conflicts (2 of 4 stars). 12 submissions from 12 submitters: Benign (8); Likely benign (3). 1 of the submissions does not count toward it. Last evaluated 2026-09-01.

Conditions:
Nemaline myopathy 2 (NEM2). Also called: Nemaline myopathy 2, autosomal recessive. Identifiers: MedGen C1850569, MONDO:0009725, OMIM 256030.

Allele frequency attached by ClinVar (database versions not stated): 1000 Genomes Project 30x 0.00265; 1000 Genomes Project 0.00280; ESP Exome Variant Server 0.00687; gnomAD 0.00690 and 0.00714; gnomAD exomes 0.00708 and 0.01060; TOPMed 0.00712; ExAC 0.00940.
gnomAD v4.1: 16,168 of 1,587,170 alleles (1%); highest among the groups gnomAD compares: Middle Eastern, 1.4%; 96 homozygotes.

Submissions (12):

CeGaT Center for Human Genetics Tuebingen
Classification: Benign. Last evaluated: 2026-09-01. Review status: criteria provided, single submitter. Criteria: CeGaT Center For Human Genetics Tuebingen Variant Classification Criteria Version 2. Collection method: clinical testing. Allele origin: germline. Affected: yes. Observed: 26 variant alleles.
Comment: NEB: BP4, BP7, BS1, BS2

Labcorp Genetics (formerly Invitae), Labcorp
Classification: Benign for Nemaline myopathy 2. Last evaluated: 2026-02-04. Review status: criteria provided, single submitter. Criteria: Invitae Variant Classification Sherloc (09022015). Collection method: clinical testing. Allele origin: germline.

Blueprint Genetics
Classification: Likely benign. Last evaluated: 2024-11-18. Review status: criteria provided, single submitter. Criteria: ACMG Guidelines, 2015. Collection method: clinical testing. Allele origin: germline.

Athena Diagnostics
Classification: Benign. Last evaluated: 2024-03-12. Review status: criteria provided, single submitter. Criteria: Athena Diagnostics Criteria. Collection method: clinical testing. Allele origin: unknown.

Genome-Nilou Lab
Classification: Benign for Nemaline myopathy 2. Last evaluated: 2021-06-10. Review status: criteria provided, single submitter. Criteria: ACMG Guidelines, 2015. Collection method: clinical testing. Allele origin: germline. Affected: no.

Mayo Clinic Laboratories, Mayo Clinic
Classification: Benign. Last evaluated: 2018-12-17. Review status: criteria provided, single submitter. Criteria: ACMG Guidelines, 2015. Collection method: clinical testing. Allele origin: germline. Observed: 17 variant alleles.

Illumina Laboratory Services, Illumina
Classification: Likely benign for Nemaline myopathy 2. Last evaluated: 2018-01-13. Review status: criteria provided, single submitter. Criteria: ICSL Variant Classification Criteria 13 December 2019. Collection method: clinical testing. Allele origin: germline.
Comment: This variant was observed in the ICSL laboratory as part of a predisposition screen in an ostensibly healthy population. It had not been previously curated by ICSL or reported in the Human Gene Mutation Database (HGMD: prior to June 1st, 2018), and was therefore a candidate for classification through an automated scoring system. Utilizing variant allele frequency, disease prevalence and penetrance estimates, and inheritance mode, an automated score was calculated to assess if this variant is too frequent to cause the disease. Based on the score and internal cut-off values, a variant classified as likely benign is not then subjected to further curation. The score for this variant resulted in a classification of likely benign for this disease.

GeneDx
Classification: Benign. Last evaluated: 2016-02-18. Review status: criteria provided, single submitter. Criteria: GeneDx Variant Classification (06012015). Collection method: clinical testing. Allele origin: germline. Affected: yes.
Comment: This variant is considered likely benign or benign based on one or more of the following criteria: it is a conservative change, it occurs at a poorly conserved position in the protein, it is predicted to be benign by multiple in silico algorithms, and/or has population frequency not consistent with disease.

Eurofins Ntd Llc (ga)
Classification: Benign. Last evaluated: 2014-01-02. Review status: criteria provided, single submitter. Criteria: EGL Classification Definitions 2015. Collection method: clinical testing. Allele origin: germline. Observed: 1 variant allele, 1 heterozygote.

Breakthrough Genomics
Classification: Likely benign. Review status: criteria provided, single submitter. Criteria: ACMG Guidelines, 2015. Collection method: not provided. Allele origin: germline. Inheritance: Autosomal recessive inheritance. Affected: yes.

PreventionGenetics, part of Exact Sciences
Classification: Benign. Review status: criteria provided, single submitter. Criteria: ACMG Guidelines, 2015. Collection method: clinical testing. Allele origin: germline.

Natera, Inc.
Classification: Likely benign for Nemaline myopathy type 2. Last evaluated: 2019-11-11. Review status: no assertion criteria provided. Collection method: clinical testing. Allele origin: germline. Not counted in ClinVar's aggregate classification.

NM_001164508.2(NEB):c.2832C>T (p.Ser944=)

Gene: NEB (nebulin; minus strand). Cytogenetic location: 2q23.3.
Variant type: single nucleotide variant.
Coding change: c.2832C>T on transcript NM_001164508.2 (MANE Select); coding-DNA position 2832, C replaced by T.
Protein change: p.Ser944=; no amino-acid change (serine 944 retained).
Molecular consequence: synonymous variant.
Genome position (GRCh38, 1-based): chr2:151,684,781, G>A on the plus strand (C>T on the coding strand, the complement: NEB is on the minus strand). VCF-style: chr2-151684781-G-A. GRCh37 (hg19) VCF-style: chr2-152541295-G-A.
Other names: p.Ser944=; c.2832C>T, p.Ser944= (NM_001164507.2, NM_001271208.2, NM_004543.5).
Identifiers: ClinVar variation 167340 (VCV000167340.58), dbSNP rs114076205, ClinGen allele CA180217.